The following is an entry in ClinVar:

ClinVar aggregate classification (germline): Uncertain significance (1 of 4 stars; one submission).

Conditions:
Brugada syndrome 8 (BRGDA8). Identifiers: Orphanet 130, MedGen C2751083, MONDO:0013148, OMIM 613123.

Submission:

Labcorp Genetics (formerly Invitae), Labcorp
Classification: Uncertain significance for Brugada syndrome 8. Last evaluated: 2025-08-03. Review status: criteria provided, single submitter. Criteria: Invitae Variant Classification Sherloc (09022015). Collection method: clinical testing. Allele origin: germline.
Comment: This sequence change replaces proline, which is neutral and non-polar, with threonine, which is neutral and polar, at codon 1137 of the HCN4 protein (p.Pro1137Thr). This variant is not present in population databases (gnomAD no frequency). This variant has not been reported in the literature in individuals affected with HCN4-related conditions. Invitae Evidence Modeling of protein sequence and biophysical properties (such as structural, functional, and spatial information, amino acid conservation, physicochemical variation, residue mobility, and thermodynamic stability) indicates that this missense variant is not expected to disrupt HCN4 protein function with a negative predictive value of 95%. In summary, the available evidence is currently insufficient to determine the role of this variant in disease. Therefore, it has been classified as a Variant of Uncertain Significance.

NM_005477.3(HCN4):c.3409C>A (p.Pro1137Thr)

Gene: HCN4 (hyperpolarization activated cyclic nucleotide gated potassium channel 4; minus strand). Cytogenetic location: 15q24.1.
Variant type: single nucleotide variant.
Coding change: c.3409C>A on transcript NM_005477.3 (MANE Select); coding-DNA position 3409, C replaced by A.
Protein change: p.Pro1137Thr; replaces proline 1137 with threonine.
Molecular consequence: missense variant.
Genome position (GRCh38, 1-based): chr15:73,322,684, G>T on the plus strand (C>A on the coding strand, the complement: HCN4 is on the minus strand). VCF-style: chr15-73322684-G-T. GRCh37 (hg19) VCF-style: chr15-73615025-G-T.
Other names: short protein forms P1137T.
Identifiers: ClinVar variation 4774782 (VCV004774782.1).